The following is an entry in ClinVar:

ClinVar aggregate classification (germline): Uncertain significance. Review status: criteria provided, multiple submitters, no conflicts (2 of 4 stars). 2 submissions from 2 submitters: Uncertain significance (2). Last evaluated 2026-04-14.

Conditions:
Familial intrahepatic cholestasis. Identifiers: Orphanet 284385, MedGen CN296401, MONDO:0017290.
Progressive familial intrahepatic cholestasis (PFIC). Also called: Progressive family intrahepatic cholestasis; Progressive intrahepatic cholestasis. Identifiers: Orphanet 172, MedGen C0268312, MONDO:0015762.

gnomAD v4.1: 3 of 1,613,270 alleles (0.00019%); highest among the groups gnomAD compares: Non-Finnish European, 0.00025%; no homozygotes.

Submissions (2):

Genomenon, Inc
Classification: Uncertain significance for Familial intrahepatic cholestasis. Last evaluated: 2026-04-14. Review status: criteria provided, single submitter. Criteria: Genomenon Sequence Variant Interpretation Standards - Updated. Collection method: curation. Allele origin: germline. Affected: yes.
Comment: ABCB11 p.Trp342Gly (c.1024T>G) is a missense variant that changes the amino acid at residue 342 from Tryptophan to Glycine. This variant has been observed in at least one proband with an ABCB11-related disorder (PMID:28733223). It is absent or not present at a significant frequency in gnomAD. In silico models predict that this variant is possibly or probably damaging. In conclusion, we classify ABCB11 p.Trp342Gly (c.1024T>G) as a variant of uncertain significance.

Broad Center for Mendelian Genomics, Broad Institute of MIT and Harvard
Classification: Uncertain significance for Progressive familial intrahepatic cholestasis. Last evaluated: 2025-02-05. Review status: criteria provided, single submitter. Criteria: ACMG Guidelines, 2015. Collection method: curation. Allele origin: germline. Inheritance: Autosomal recessive inheritance.
Comment: The p.Trp342Gly variant in ABCB11 has been reported, in the compound heterozygous state, in one individual with BSEP deficiency (Variation ID: 6589; PMID: 28733223), and has been identified in 0.0009% (3/349662) of European (non-Finnish) chromosomes by the Genome Aggregation Database (gnomAD; dbSNP rs1326325046). Although this variant has been seen in the general population in a heterozygous state, its frequency is low enough to be consistent with a recessive carrier frequency. Computational prediction tools and conservation analyses suggest that this variant may impact the protein, though this information is not predictive enough to determine pathogenicity. In summary, the clinical significance of the p.Trp342Gly variant is uncertain. ACMG/AMP Criteria applied: PP3_moderate, PM2_supporting, PM3_supporting (Richards 2015).

Literature cited by the submitters: PubMed 28733223 (cited by Genomenon, Inc).

NM_003742.4(ABCB11):c.1024T>G (p.Trp342Gly)

Gene: ABCB11 (ATP binding cassette subfamily B member 11; minus strand). Cytogenetic location: 2q31.1.
Variant type: single nucleotide variant.
Coding change: c.1024T>G on transcript NM_003742.4 (MANE Select); coding-DNA position 1024, T replaced by G.
Protein change: p.Trp342Gly; replaces tryptophan 342 with glycine.
Molecular consequence: missense variant.
Genome position (GRCh38, 1-based): chr2:168,986,169, A>C on the plus strand (T>G on the coding strand, the complement: ABCB11 is on the minus strand). VCF-style: chr2-168986169-A-C. GRCh37 (hg19) VCF-style: chr2-169842679-A-C.
Other names: NM_003742.4:c.1024T>G; short protein forms W342G.
Identifiers: ClinVar variation 3776895 (VCV003776895.2).